The following is an entry in ClinVar:

NM_001037333.3(CYFIP2):c.3121C>T (p.Arg1041Cys)

Genes: CYFIP2 (cytoplasmic FMR1 interacting protein 2; plus strand), NIPAL4-DT (NIPAL4 divergent transcript; minus strand). Cytogenetic location: 5q33.3.
Variant type: single nucleotide variant.
Coding change: c.3121C>T on transcript NM_001037333.3 (MANE Select); coding-DNA position 3121, C replaced by T.
Protein change: p.Arg1041Cys; replaces arginine 1041 with cysteine.
Molecular consequence: missense variant.
Genome position (GRCh38, 1-based): chr5:157,383,273, C>T. VCF-style: chr5-157383273-C-T. GRCh37 (hg19) VCF-style: chr5-156810281-C-T.
Other names: c.3043C>T, p.Arg1015Cys (NM_001291721.2); c.3196C>T, p.Arg1066Cys (NM_001291722.2); c.3121C>T, p.Arg1041Cys (NM_014376.4); short protein forms R1015C, R1041C, R1066C.
Identifiers: ClinVar variation 2708910 (VCV002708910.3), dbSNP rs763607353, ClinGen allele CA3534251.

ClinVar aggregate classification (germline): Uncertain significance (1 of 4 stars; one submission).

Allele frequency attached by ClinVar (database versions not stated): gnomAD exomes below 0.00001; ExAC 0.00001.
gnomAD v4.1: 3 of 1,613,690 alleles (0.00019%); highest among the groups gnomAD compares: South Asian, 0.0011%; no homozygotes.

Submission:

Labcorp Genetics (formerly Invitae), Labcorp
Classification: Uncertain significance. Last evaluated: 2025-06-23. Review status: criteria provided, single submitter. Criteria: Invitae Variant Classification Sherloc (09022015). Collection method: clinical testing. Allele origin: germline.
Comment: This sequence change replaces arginine, which is basic and polar, with cysteine, which is neutral and slightly polar, at codon 1041 of the CYFIP2 protein (p.Arg1041Cys). This variant is present in population databases (rs763607353, gnomAD 0.0009%). This variant has not been reported in the literature in individuals affected with CYFIP2-related conditions. ClinVar contains an entry for this variant (Variation ID: 2708910). Experimental studies and prediction algorithms are not available or were not evaluated, and the functional significance of this variant is currently unknown. In summary, the available evidence is currently insufficient to determine the role of this variant in disease. Therefore, it has been classified as a Variant of Uncertain Significance.